The following is an entry in ClinVar:

NM_000834.5(GRIN2B):c.1970A>G (p.Glu657Gly)

Gene: GRIN2B (glutamate ionotropic receptor NMDA type subunit 2B; minus strand). Cytogenetic location: 12p13.1.
Variant type: single nucleotide variant.
Coding change: c.1970A>G on transcript NM_000834.5 (MANE Select); coding-DNA position 1970, A replaced by G.
Protein change: p.Glu657Gly; replaces glutamic acid 657 with glycine.
Molecular consequence: missense variant.
Genome position (GRCh38, 1-based): chr12:13,608,643, T>C on the plus strand (A>G on the coding strand, the complement: GRIN2B is on the minus strand). VCF-style: chr12-13608643-T-C. GRCh37 (hg19) VCF-style: chr12-13761577-T-C.
Other names: short protein forms E657G.
Identifiers: ClinVar variation 234479 (VCV000234479.5), dbSNP rs876661041, ClinGen allele CA10577449.

ClinVar aggregate classification (germline): Pathogenic/Likely pathogenic. Review status: criteria provided, multiple submitters, no conflicts (2 of 4 stars). 3 submissions from 3 submitters: Pathogenic (1); Likely pathogenic (2). Last evaluated 2024-07-15.

Conditions:
Intellectual developmental disorder, autosomal dominant 6, with or without seizures. Also called: Intellectual disability, autosomal dominant 6; GRIN2B-related developmental delay, intellectual disability and autism spectrum disorder. Identifiers: Orphanet 589547, MedGen C3151411, MONDO:0013509, OMIM 613970.
Developmental and epileptic encephalopathy, 27 (DEE27). Also called: Epileptic encephalopathy, early infantile, 27; GRIN2B-Related Neurodevelopmental Disorder. Identifiers: Orphanet 3451, MedGen C4015316, MONDO:0014505, OMIM 616139.

Submissions (3):

Labcorp Genetics (formerly Invitae), Labcorp
Classification: Pathogenic for Developmental and epileptic encephalopathy, 27; Intellectual developmental disorder, autosomal dominant 6, with or without seizures. Last evaluated: 2024-07-15. Review status: criteria provided, single submitter. Criteria: Invitae Variant Classification Sherloc (09022015). Collection method: clinical testing. Allele origin: germline.
Comment: This sequence change replaces glutamic acid, which is acidic and polar, with glycine, which is neutral and non-polar, at codon 657 of the GRIN2B protein (p.Glu657Gly). This variant is not present in population databases (gnomAD no frequency). This missense change has been observed in individual(s) with clinical features of GRIN2B-related conditions (PMID: 28377535; Invitae). In at least one individual the variant was observed to be de novo. ClinVar contains an entry for this variant (Variation ID: 234479). Advanced modeling of protein sequence and biophysical properties (such as structural, functional, and spatial information, amino acid conservation, physicochemical variation, residue mobility, and thermodynamic stability) performed at Invitae indicates that this missense variant is expected to disrupt GRIN2B protein function with a positive predictive value of 95%. Experimental studies have shown that this missense change affects GRIN2B function (PMID: 29681796). For these reasons, this variant has been classified as Pathogenic.

Institute of Human Genetics, University of Leipzig Medical Center
Classification: Likely pathogenic for Intellectual developmental disorder, autosomal dominant 6, with or without seizures. Last evaluated: 2017-04-04. Review status: criteria provided, single submitter. Criteria: ACMG Guidelines, 2015. Collection method: clinical testing. Allele origin: de novo. Affected: yes.
Comment: This variant was identified as de novo (maternity and paternity confirmed).

GeneDx
Classification: Likely pathogenic. Last evaluated: 2016-03-09. Review status: criteria provided, single submitter. Criteria: GeneDx Variant Classification (06012015). Collection method: clinical testing. Allele origin: germline. Affected: yes.
Comment: The E657G variant has not been published as a pathogenic variant, nor has it been reported as a benign polymorphism to our knowledge. It was not observed in approximately 6,500 individuals of European and African American ancestry in the NHLBI Exome Sequencing Project, indicating it is not a common benign variant in these populations. The E657G variant is a non-conservative amino acid substitution, which is likely to impact secondary protein structure as these residues differ in polarity, charge, size and/or other properties. This substitution occurs at a position that is conserved across species, and in silico analysis predicts this variant is probably damaging to the protein structure/function. Therefore, based on the currently available information, the E657G variant is a strong candidate for a pathogenic variant; however the possibility that it is a benign variant cannot be completely excluded.

Literature cited by the submitters: PubMed 28377535 (cited by Labcorp Genetics (formerly Invitae), Labcorp and Institute of Human Genetics, University of Leipzig Medical Center); PubMed 29681796 (cited by Labcorp Genetics (formerly Invitae), Labcorp).